The following is an entry in ClinVar:

ClinVar aggregate classification (germline): Uncertain significance (1 of 4 stars; one submission).

gnomAD v4.1: 3 of 1,614,186 alleles (0.00019%); highest among the groups gnomAD compares: South Asian, 0.0011%; no homozygotes.

Submission:

Labcorp Genetics (formerly Invitae), Labcorp
Classification: Uncertain significance. Last evaluated: 2025-09-21. Review status: criteria provided, single submitter. Criteria: Invitae Variant Classification Sherloc (09022015). Collection method: clinical testing. Allele origin: germline.
Comment: This sequence change replaces arginine, which is basic and polar, with lysine, which is basic and polar, at codon 572 of the ADNP protein (p.Arg572Lys). This variant is present in population databases (rs751935323, gnomAD 0.0009%). This variant has not been reported in the literature in individuals affected with ADNP-related conditions. An algorithm developed to predict the effect of missense changes on protein structure and function (PolyPhen-2) suggests that this variant is likely to be tolerated. In summary, the available evidence is currently insufficient to determine the role of this variant in disease. Therefore, it has been classified as a Variant of Uncertain Significance.

NM_001282531.3(ADNP):c.1715G>A (p.Arg572Lys)

Gene: ADNP (activity dependent neuroprotector homeobox; minus strand). Cytogenetic location: 20q13.13.
Variant type: single nucleotide variant.
Coding change: c.1715G>A on transcript NM_001282531.3 (MANE Select); coding-DNA position 1715, G replaced by A.
Protein change: p.Arg572Lys; replaces arginine 572 with lysine.
Molecular consequence: missense variant.
Genome position (GRCh38, 1-based): chr20:50,892,999, C>T on the plus strand (G>A on the coding strand, the complement: ADNP is on the minus strand). VCF-style: chr20-50892999-C-T. GRCh37 (hg19) VCF-style: chr20-49509536-C-T.
Other names: c.1715G>A, p.Arg572Lys (NM_001282532.2, NM_001347511.2, NM_015339.5 and 1 more transcripts); c.1931G>A, p.Arg644Lys (NM_001439000.1); c.1031G>A, p.Arg344Lys (NM_001439001.1); short protein forms R344K, R572K, R644K.
Identifiers: ClinVar variation 4808283 (VCV004808283.1).